The following is an entry in ClinVar:

ClinVar aggregate classification (germline): Uncertain significance (1 of 4 stars; one submission).

Conditions:
Primary ciliary dyskinesia. Also called: Ciliary dyskinesia. Identifiers: Orphanet 244, MedGen C0008780, MONDO:0016575, HP:0012265.

Allele frequency attached by ClinVar (database versions not stated): gnomAD exomes 0.00001; TOPMed 0.00001.
gnomAD v4.1: 7 of 1,613,450 alleles (0.00043%); highest among the groups gnomAD compares: South Asian, 0.0011%; no homozygotes.

Submission:

Ambry Genetics
Classification: Uncertain significance for Primary ciliary dyskinesia. Last evaluated: 2017-09-06. Review status: criteria provided, single submitter. Criteria: Ambry Variant Classification Scheme 2023. Collection method: clinical testing. Allele origin: germline.
Comment: The p.A2266S variant (also known as c.6796G>T), located in coding exon 41 of the DNAH5 gene, results from a G to T substitution at nucleotide position 6796. The alanine at codon 2266 is replaced by serine, an amino acid with similar properties. This amino acid position is not well conserved in available vertebrate species. In addition, this alteration is predicted to be tolerated by in silico analysis. Since supporting evidence is limited at this time, the clinical significance of this alteration remains unclear.

NM_001369.3(DNAH5):c.6796G>T (p.Ala2266Ser)

Gene: DNAH5 (dynein axonemal heavy chain 5; minus strand). Cytogenetic location: 5p15.2.
Variant type: single nucleotide variant.
Coding change: c.6796G>T on transcript NM_001369.3 (MANE Select); coding-DNA position 6796, G replaced by T.
Protein change: p.Ala2266Ser; replaces alanine 2266 with serine.
Molecular consequence: missense variant.
Genome position (GRCh38, 1-based): chr5:13,820,391, C>A on the plus strand (G>T on the coding strand, the complement: DNAH5 is on the minus strand). VCF-style: chr5-13820391-C-A. GRCh37 (hg19) VCF-style: chr5-13820500-C-A.
Other names: short protein forms A2266S.
Identifiers: ClinVar variation 1755474 (VCV001755474.2), dbSNP rs1023849945, ClinGen allele CA359194769.